The following is an entry in ClinVar:

ClinVar aggregate classification (germline): Uncertain significance. Review status: criteria provided, multiple submitters, no conflicts (2 of 4 stars). 2 submissions from 2 submitters: Uncertain significance (2). Last evaluated 2024-09-25.

Conditions:
Inborn genetic diseases. Identifiers: MedGen C0950123, MeSH D030342.
Wiskott-Aldrich syndrome 2 (WAS2). Also called: WIPF1 DEFICIENCY. Identifiers: Orphanet 906, MedGen C3281001, MONDO:0013779, OMIM 614493.

Allele frequency attached by ClinVar (database versions not stated): gnomAD exomes 0.00001; ExAC 0.00001; TOPMed 0.00002; gnomAD 0.00001; ESP Exome Variant Server 0.00008.
gnomAD v4.1: 21 of 1,613,980 alleles (0.0013%); highest among the groups gnomAD compares: Non-Finnish European, 0.0017%; no homozygotes.

Submissions (2):

Ambry Genetics
Classification: Uncertain significance for Inborn genetic diseases. Last evaluated: 2024-09-25. Review status: criteria provided, single submitter. Criteria: Ambry Variant Classification Scheme 2023. Collection method: clinical testing. Allele origin: germline.

Labcorp Genetics (formerly Invitae), Labcorp
Classification: Uncertain significance for Wiskott-Aldrich syndrome 2. Last evaluated: 2022-05-31. Review status: criteria provided, single submitter. Criteria: Invitae Variant Classification Sherloc (09022015). Collection method: clinical testing. Allele origin: germline.
Comment: This sequence change replaces asparagine, which is neutral and polar, with aspartic acid, which is acidic and polar, at codon 34 of the WIPF1 protein (p.Asn34Asp). This variant is present in population databases (rs373043385, gnomAD 0.002%). This variant has not been reported in the literature in individuals affected with WIPF1-related conditions. ClinVar contains an entry for this variant (Variation ID: 580567). Algorithms developed to predict the effect of missense changes on protein structure and function are either unavailable or do not agree on the potential impact of this missense change (SIFT: "Not Available"; PolyPhen-2: "Probably Damaging"; Align-GVGD: "Not Available"). In summary, the available evidence is currently insufficient to determine the role of this variant in disease. Therefore, it has been classified as a Variant of Uncertain Significance.

NM_001375834.1(WIPF1):c.100A>G (p.Asn34Asp)

Genes: WIPF1 (WAS/WASL interacting protein family member 1; minus strand), WIPF1-AS1 (WIPF1 and CHRNA1 antisense RNA 1; plus strand). Cytogenetic location: 2q31.1.
Variant type: single nucleotide variant.
Coding change: c.100A>G on transcript NM_001375834.1 (MANE Select); coding-DNA position 100, A replaced by G.
Protein change: p.Asn34Asp; replaces asparagine 34 with aspartic acid.
Molecular consequence: missense variant.
Genome position (GRCh38, 1-based): chr2:174,581,391, T>C on the plus strand (A>G on the coding strand, the complement: WIPF1 is on the minus strand). VCF-style: chr2-174581391-T-C. GRCh37 (hg19) VCF-style: chr2-175446119-T-C.
Other names: c.100A>G, p.Asn34Asp (NM_001077269.1, NM_001375832.1, NM_001375833.1 and 6 more transcripts); short protein forms N34D.
Identifiers: ClinVar variation 580567 (VCV000580567.7), dbSNP rs373043385, ClinGen allele CA1974233.